The following is an entry in ClinVar:

NM_024675.4(PALB2):c.3009C>T (p.Asn1003=)

Gene: PALB2 (partner and localizer of BRCA2; minus strand). Cytogenetic location: 16p12.2.
Variant type: single nucleotide variant.
Coding change: c.3009C>T on transcript NM_024675.4 (MANE Select); coding-DNA position 3009, C replaced by T.
Protein change: p.Asn1003=; no amino-acid change (asparagine 1003 retained).
Molecular consequence: synonymous variant.
Genome position (GRCh38, 1-based): chr16:23,621,466, G>A on the plus strand (C>T on the coding strand, the complement: PALB2 is on the minus strand). VCF-style: chr16-23621466-G-A. GRCh37 (hg19) VCF-style: chr16-23632787-G-A.
Identifiers: ClinVar variation 530223 (VCV000530223.10), dbSNP rs1555459417, ClinGen allele CA494180196.

ClinVar aggregate classification (germline): Benign/Likely benign. Review status: criteria provided, multiple submitters, no conflicts (2 of 4 stars). 2 submissions from 2 submitters: Benign (1); Likely benign (1). Last evaluated 2025-01-21.

Conditions:
Familial cancer of breast. Also called: BREAST CANCER, FAMILIAL; Hereditary breast cancer; hereditary breast carcinoma. Identifiers: Orphanet 227535, MedGen C0346153, MONDO:0016419, OMIM 114480. Disease mechanism: loss of function.

Submissions (2):

Myriad Genetics, Inc.
Classification: Benign for Familial cancer of breast. Last evaluated: 2025-01-21. Review status: criteria provided, single submitter. Criteria: Myriad Autosomal Dominant, Autosomal Recessive and X-Linked Classification Criteria (2023). Collection method: clinical testing. Allele origin: unknown.
Comment: This variant is considered benign. This variant is a silent/synonymous amino acid change and it is not expected to impact splicing.

Labcorp Genetics (formerly Invitae), Labcorp
Classification: Likely benign for Familial cancer of breast. Last evaluated: 2022-12-21. Review status: criteria provided, single submitter. Criteria: Invitae Variant Classification Sherloc (09022015). Collection method: clinical testing. Allele origin: germline.